The following is an entry in ClinVar:

NM_006204.4(PDE6C):c.1822G>T (p.Gly608Cys)

Gene: PDE6C (phosphodiesterase 6C; plus strand). Cytogenetic location: 10q23.33.
Variant type: single nucleotide variant.
Coding change: c.1822G>T on transcript NM_006204.4 (MANE Select); coding-DNA position 1822, G replaced by T.
Protein change: p.Gly608Cys; replaces glycine 608 with cysteine.
Molecular consequence: missense variant.
Genome position (GRCh38, 1-based): chr10:93,641,004, G>T. VCF-style: chr10-93641004-G-T. GRCh37 (hg19) VCF-style: chr10-95400761-G-T.
Other names: short protein forms G608C.
Identifiers: ClinVar variation 3368631 (VCV003368631.1).

ClinVar aggregate classification (germline): Uncertain significance (1 of 4 stars; one submission).

Submission:

GeneDx
Classification: Uncertain significance. Last evaluated: 2024-01-31. Review status: criteria provided, single submitter. Criteria: GeneDx Variant Classification Process June 2021. Collection method: clinical testing. Allele origin: germline. Affected: yes.
Comment: Not observed at significant frequency in large population cohorts (gnomAD); In silico analysis supports that this missense variant has a deleterious effect on protein structure/function; Has not been previously published as pathogenic or benign to our knowledge